The following is an entry in ClinVar:

ClinVar aggregate classification (germline): Likely benign. Review status: criteria provided, multiple submitters, no conflicts (2 of 4 stars). 2 submissions from 2 submitters: Likely benign (2). Last evaluated 2024-10-29.

Submissions (2):

Labcorp Genetics (formerly Invitae), Labcorp
Classification: Likely benign. Last evaluated: 2024-10-29. Review status: criteria provided, single submitter. Criteria: Invitae Variant Classification Sherloc (09022015). Collection method: clinical testing. Allele origin: germline.

CeGaT Center for Human Genetics Tuebingen
Classification: Likely benign. Last evaluated: 2023-11-01. Review status: criteria provided, single submitter. Criteria: CeGaT Center For Human Genetics Tuebingen Variant Classification Criteria Version 2. Collection method: clinical testing. Allele origin: germline. Affected: yes. Observed: 1 variant allele.
Comment: ABCC6: PM2:Supporting, BP4, BP7

NM_001171.6(ABCC6):c.2151G>A (p.Leu717=)

Gene: ABCC6 (ATP binding cassette subfamily C member 6; minus strand). Cytogenetic location: 16p13.11.
Variant type: single nucleotide variant.
Coding change: c.2151G>A on transcript NM_001171.6 (MANE Select); coding-DNA position 2151, G replaced by A.
Protein change: p.Leu717=; no amino-acid change (leucine 717 retained).
Molecular consequence: synonymous variant. On other transcripts: non-coding transcript variant (1).
Genome position (GRCh38, 1-based): chr16:16,182,508, C>T on the plus strand (G>A on the coding strand, the complement: ABCC6 is on the minus strand). VCF-style: chr16-16182508-C-T. GRCh37 (hg19) VCF-style: chr16-16276365-C-T.
Other names: c.1809G>A, p.Leu603= (NM_001351800.1).
Identifiers: ClinVar variation 2672621 (VCV002672621.25), dbSNP rs2511001507, ClinGen allele CA493800110.